The following is an entry in ClinVar:

NM_001734.5(C1S):c.718-19A>T

Gene: C1S (complement C1s; plus strand). Cytogenetic location: 12p13.31.
Variant type: single nucleotide variant.
Coding change: c.718-19A>T on transcript NM_001734.5 (MANE Select); 19 bases into the intron before coding-DNA position 718, A replaced by T.
Molecular consequence: intron variant.
Genome position (GRCh38, 1-based): chr12:7,065,798, A>T. VCF-style: chr12-7065798-A-T. GRCh37 (hg19) VCF-style: chr12-7173102-A-T.
Other names: c.718-19A>T (NM_201442.4); c.217-19A>T (NM_001346850.2).
Identifiers: ClinVar variation 2789572 (VCV002789572.3), dbSNP rs941503076, ClinGen allele CA232452568.

ClinVar aggregate classification (germline): Uncertain significance (1 of 4 stars; one submission).

gnomAD v4.1: 2 of 1,611,160 alleles (0.00012%); highest among the groups gnomAD compares: Non-Finnish European, 0.000085%; no homozygotes.

Submission:

Labcorp Genetics (formerly Invitae), Labcorp
Classification: Uncertain significance. Last evaluated: 2025-06-12. Review status: criteria provided, single submitter. Criteria: Invitae Variant Classification Sherloc (09022015). Collection method: clinical testing. Allele origin: germline.
Comment: This sequence change falls in intron 6 of the C1S gene. It does not directly change the encoded amino acid sequence of the C1S protein. This variant is not present in population databases (gnomAD no frequency). This variant has not been reported in the literature in individuals affected with C1S-related conditions. ClinVar contains an entry for this variant (Variation ID: 2789572). Algorithms developed to predict the effect of sequence changes on RNA splicing suggest that this variant may disrupt the consensus splice site. In summary, the available evidence is currently insufficient to determine the role of this variant in disease. Therefore, it has been classified as a Variant of Uncertain Significance.